The following is an entry in ClinVar:

ClinVar aggregate classification (germline): Pathogenic (1 of 4 stars; one submission).

Conditions:
Hereditary cancer-predisposing syndrome. Also called: Tumor predisposition; Neoplastic Syndromes, Hereditary; Hereditary Cancer Syndrome; Hereditary neoplastic syndrome. Identifiers: Orphanet 140162, MedGen C0027672, MeSH D009386, MONDO:0015356.

Submission:

Labcorp Genetics (formerly Invitae), Labcorp
Classification: Pathogenic for Hereditary cancer-predisposing syndrome. Last evaluated: 2021-09-29. Review status: criteria provided, single submitter. Criteria: Invitae Variant Classification Sherloc (09022015). Collection method: clinical testing. Allele origin: germline.
Comment: This variant is not present in population databases (ExAC no frequency). This sequence change creates a premature translational stop signal (p.Val146Phefs*6) in the RAD50 gene. It is expected to result in an absent or disrupted protein product. Loss-of-function variants in RAD50 are known to be pathogenic (PMID: 16385572, 19409520). This variant has not been reported in the literature in individuals with RAD50-related conditions. For these reasons, this variant has been classified as Pathogenic.

Literature cited by the submitters: PubMed 16385572; PubMed 19409520.

NM_005732.4(RAD50):c.429del (p.Val146fs)

Gene: RAD50 (RAD50 double strand break repair protein; plus strand). Cytogenetic location: 5q31.1.
Variant type: Deletion.
Coding change: c.429del on transcript NM_005732.4 (MANE Select); coding-DNA position 429, one base deleted (T; older notation c.429delT).
Protein change: p.Val146fs; shifts the reading frame from valine 146.
Molecular consequence: frameshift variant.
Genome position (GRCh38, 1-based): chr5:132,579,380, T deleted. VCF-style (leftmost placement, unchanged base first): chr5-132579379-CT-C. GRCh37 (hg19) VCF-style: chr5-131915071-CT-C.
Other names: short protein forms V146fs.
Identifiers: ClinVar variation 1453410 (VCV001453410.6), dbSNP rs2149837730, ClinGen allele CA2573139074.